The following is an entry in ClinVar:

NM_014244.5(ADAMTS2):c.3089-293C>A

Gene: ADAMTS2 (ADAM metallopeptidase with thrombospondin type 1 motif 2; minus strand). Cytogenetic location: 5q35.3.
Variant type: single nucleotide variant.
Coding change: c.3089-293C>A on transcript NM_014244.5 (MANE Select); 293 bases into the intron before coding-DNA position 3089, C replaced by A.
Molecular consequence: intron variant.
Genome position (GRCh38, 1-based): chr5:179,122,043, G>T on the plus strand (C>A on the coding strand, the complement: ADAMTS2 is on the minus strand). VCF-style: chr5-179122043-G-T. GRCh37 (hg19) VCF-style: chr5-178549044-G-T.
Identifiers: ClinVar variation 672853 (VCV000672853.1), dbSNP rs12374559, ClinGen allele CA12176070.

ClinVar aggregate classification (germline): Likely benign (1 of 4 stars; one submission).

Allele frequency attached by ClinVar (database versions not stated): 1000 Genomes Project 0.00759; 1000 Genomes Project 30x 0.00796; TOPMed 0.01606.
gnomAD v4.1: 2,272 of 152,194 alleles (1.5%); highest among the groups gnomAD compares: Non-Finnish European, 2.5%; 25 homozygotes.

Submission:

GeneDx
Classification: Likely benign. Last evaluated: 2018-06-14. Review status: criteria provided, single submitter. Criteria: GeneDx Variant Classification (06012015). Collection method: clinical testing. Allele origin: germline. Affected: yes.
Comment: This variant is considered likely benign or benign based on one or more of the following criteria: it is a conservative change, it occurs at a poorly conserved position in the protein, it is predicted to be benign by multiple in silico algorithms, and/or has population frequency not consistent with disease.